The following is an entry in ClinVar:

NM_016463.9(CXXC5):c.912C>T (p.Ser304=)

Gene: CXXC5 (CXXC finger protein 5; plus strand). Cytogenetic location: 5q31.2.
Variant type: single nucleotide variant.
Coding change: c.912C>T on transcript NM_016463.9 (MANE Select); coding-DNA position 912, C replaced by T.
Protein change: p.Ser304=; no amino-acid change (serine 304 retained).
Molecular consequence: synonymous variant.
Genome position (GRCh38, 1-based): chr5:139,681,435, C>T. VCF-style: chr5-139681435-C-T. GRCh37 (hg19) VCF-style: chr5-139061020-C-T.
Other names: c.912C>T, p.Ser304= (NM_001317199.2, NM_001317200.2, NM_001317201.2 and 10 more transcripts).
Identifiers: ClinVar variation 2655734 (VCV002655734.24), dbSNP rs368065833, ClinGen allele CA3435913.

ClinVar aggregate classification (germline): Likely benign (1 of 4 stars; one submission).

Allele frequency attached by ClinVar (database versions not stated): gnomAD 0.00005; TOPMed 0.00006; ExAC 0.00007; ESP Exome Variant Server 0.00016.
gnomAD v4.1: 104 of 1,577,010 alleles (0.0066%); highest among the groups gnomAD compares: South Asian, 0.02%; no homozygotes.

Submission:

CeGaT Center for Human Genetics Tuebingen
Classification: Likely benign. Last evaluated: 2023-03-01. Review status: criteria provided, single submitter. Criteria: CeGaT Center For Human Genetics Tuebingen Variant Classification Criteria Version 2. Collection method: clinical testing. Allele origin: germline. Affected: yes. Observed: 1 variant allele.
Comment: CXXC5: BP4, BP7